The following is an entry in ClinVar:

NM_024721.5(ZFHX4):c.3628A>C (p.Lys1210Gln)

Gene: ZFHX4 (zinc finger homeobox 4; plus strand). Cytogenetic location: 8q21.13.
Variant type: single nucleotide variant.
Coding change: c.3628A>C on transcript NM_024721.5 (MANE Select); coding-DNA position 3628, A replaced by C.
Protein change: p.Lys1210Gln; replaces lysine 1210 with glutamine.
Molecular consequence: missense variant.
Genome position (GRCh38, 1-based): chr8:76,849,111, A>C. VCF-style: chr8-76849111-A-C. GRCh37 (hg19) VCF-style: chr8-77761347-A-C.
Other names: c.3550A>C, p.Lys1184Gln (NM_001410934.1); short protein forms K1184Q, K1210Q.
Identifiers: ClinVar variation 4538705 (VCV004538705.1).

ClinVar aggregate classification (germline): Uncertain significance (1 of 4 stars; one submission).

Submission:

GeneDx
Classification: Uncertain significance. Last evaluated: 2025-06-17. Review status: criteria provided, single submitter. Criteria: GeneDx Variant Classification Process June 2021. Collection method: clinical testing. Allele origin: germline. Affected: yes.
Comment: Not observed at significant frequency in large population cohorts (gnomAD); In silico analysis suggests that this missense variant does not alter protein structure/function; Has not been previously published as pathogenic or benign to our knowledge